The following is an entry in ClinVar:

NM_001374828.1(ARID1B):c.6309del (p.Leu2104fs)

Gene: ARID1B (AT-rich interaction domain 1B; plus strand). Cytogenetic location: 6q25.3.
Variant type: Deletion.
Coding change: c.6309del on transcript NM_001374828.1 (MANE Select); coding-DNA position 6309, one base deleted (T; older notation c.6309delT).
Protein change: p.Leu2104fs; shifts the reading frame from leucine 2104.
Molecular consequence: frameshift variant.
Genome position (GRCh38, 1-based): chr6:157,207,081, T deleted; the last of 2 consecutive T bases (chr6:157,207,080-157,207,081); deleting either gives the same sequence. VCF-style (leftmost placement, unchanged base first): chr6-157207079-CT-C. GRCh37 (hg19) VCF-style: chr6-157528213-CT-C.
Other names: c.5940delT (NM_020732.3); c.3810del, p.Leu1271fs (NM_001363725.2); c.6189del, p.Leu2064fs (NM_001371656.1, NM_001374820.1); c.6150del, p.Leu2051fs (NM_017519.3); short protein forms L1271fs, L2064fs, L2104fs, L2051fs.
Identifiers: ClinVar variation 817862 (VCV000817862.1), dbSNP rs1583516200, ClinGen allele CA915944790.

ClinVar aggregate classification (germline): Pathogenic (1 of 4 stars; one submission).

Submission:

GeneDx
Classification: Pathogenic. Last evaluated: 2018-10-10. Review status: criteria provided, single submitter. Criteria: GeneDx Variant Classification (06012015). Collection method: clinical testing. Allele origin: germline. Affected: yes.
Comment: The c.5940delT variant in the ARID1B gene has not been reported previously as a pathogenic variant nor as a benign variant, to our knowledge. The c.5940delT variant causes a frameshift starting with codon Leucine 1981, changes this amino acid to a Phenylalanine residue, and creates a premature Stop codon at position 40 of the new reading frame, denoted p.Leu1981PhefsX40. This variant is predicted to cause loss of normal protein function through protein truncation, as the last 269 amino acids are lost and replaced with 39 incorrect amino acids. The c.5940delT variant is not observed in large population cohorts (Lek et al., 2016). We interpret c.5940delT as a pathogenic variant.